The following is an entry in ClinVar:

NM_000238.4(KCNH2):c.3331-14del

Gene: KCNH2 (potassium voltage-gated channel subfamily H member 2; minus strand). Cytogenetic location: 7q36.1.
Variant type: Deletion.
Coding change: c.3331-14del on transcript NM_000238.4 (MANE Select); 14 bases into the intron before coding-DNA position 3331, one base deleted (T; older notation c.3331-14delT).
Molecular consequence: intron variant.
Genome position (GRCh38, 1-based): chr7:150,945,528, A deleted on the plus strand (T on the coding strand, the reverse complement: KCNH2 is on the minus strand). VCF-style (leftmost placement, unchanged base first): chr7-150945527-CA-C. GRCh37 (hg19) VCF-style: chr7-150642615-CA-C.
Other names: c.2311-14del (NM_172057.3).
Identifiers: ClinVar variation 200260 (VCV000200260.3), dbSNP rs794728347, ClinGen allele CA304488.

ClinVar aggregate classification (germline): Benign (1 of 4 stars; one submission).

Conditions:
Cardiac arrhythmia. Also called: Arrhythmia; Cardiac rhythm disease. Identifiers: MedGen C0003811, MONDO:0007263, HP:0011675.

Submission:

GeneDx
Classification: Benign for Cardiac arrhythmia. Last evaluated: 2012-06-18. Review status: criteria provided, single submitter. Criteria: GeneDx Variant Classification (06012015). Collection method: clinical testing. Allele origin: germline. Affected: yes.
Comment: The variant is found in LQT panel(s).